The following is an entry in ClinVar:

ClinVar aggregate classification (germline): Likely benign (1 of 4 stars; one submission).

Allele frequency attached by ClinVar (database versions not stated): 1000 Genomes Project 30x 0.00047.

Submission:

CeGaT Center for Human Genetics Tuebingen
Classification: Likely benign. Last evaluated: 2022-03-01. Review status: criteria provided, single submitter. Criteria: CeGaT Center For Human Genetics Tuebingen Variant Classification Criteria Version 2. Collection method: clinical testing. Allele origin: germline. Affected: yes. Observed: 1 variant allele.
Comment: AHNAK2: BP4, BP7

NM_138420.4(AHNAK2):c.7473G>C (p.Pro2491=)

Gene: AHNAK2 (AHNAK nucleoprotein 2; minus strand). Cytogenetic location: 14q32.33.
Variant type: single nucleotide variant.
Coding change: c.7473G>C on transcript NM_138420.4 (MANE Select); coding-DNA position 7473, G replaced by C.
Protein change: p.Pro2491=; no amino-acid change (proline 2491 retained).
Molecular consequence: synonymous variant.
Genome position (GRCh38, 1-based): chr14:104,947,978, C>G on the plus strand (G>C on the coding strand, the complement: AHNAK2 is on the minus strand). VCF-style: chr14-104947978-C-G. GRCh37 (hg19) VCF-style: chr14-105414315-C-G.
Other names: c.7173G>C, p.Pro2391= (NM_001350929.2).
Identifiers: ClinVar variation 2644725 (VCV002644725.24), dbSNP rs201552208, ClinGen allele CA7380569.